The following is an entry in ClinVar:

ClinVar aggregate classification (germline): Uncertain significance. Review status: criteria provided, multiple submitters, no conflicts (2 of 4 stars). 5 submissions from 5 submitters: Uncertain significance (5). Last evaluated 2026-02-11.

Conditions:
Hereditary cancer-predisposing syndrome. Also called: Neoplastic Syndromes, Hereditary; Hereditary neoplastic syndrome; Tumor predisposition; Hereditary Cancer Syndrome. Identifiers: Orphanet 140162, MedGen C0027672, MeSH D009386, MONDO:0015356.
Neuroblastoma, susceptibility to, 3. Also called: ALK-Related Neuroblastic Tumor Susceptibility. Identifiers: Orphanet 635, MedGen C2751681, MONDO:0013083, OMIM 613014.
Diffuse pediatric-type high-grade glioma, H3-wildtype and IDH-wildtype. Identifiers: MedGen C5669918, MONDO:0858939.

Allele frequency attached by ClinVar (database versions not stated): gnomAD exomes below 0.00001; gnomAD 0.00001; TOPMed 0.00001; ESP Exome Variant Server 0.00008.
gnomAD v4.1: 5 of 1,614,012 alleles (0.00031%); highest among the groups gnomAD compares: Non-Finnish European, 0.00042%; no homozygotes.

Submissions (5):

St. Jude Molecular Pathology, St. Jude Children's Research Hospital
Classification: Uncertain significance for Neuroblastoma, susceptibility to, 3. Last evaluated: 2026-02-11. Review status: criteria provided, single submitter. Criteria: St. Jude Assertion Criteria 2020. Collection method: clinical testing. Allele origin: germline.
Comment: The ALK c.623T>C p.(Ile208Thr) missense change has a maximum subpopulation frequency of 0.00088% in gnomAD v2.1.1. The in silico tool REVEL is inconclusive about a pathogenic or benign effect o f this variant on protein function, and to our knowledge functional studies have not been performed. To our knowledge, this variant has not been reported in individuals with ALK-related neuroblastic tumor susceptibility. In summary, the evidence currentl y available is insufficient to determine the clinical significance of this variant. It has therefore been classified as of uncertain significance.

Labcorp Genetics (formerly Invitae), Labcorp
Classification: Uncertain significance for Neuroblastoma, susceptibility to, 3. Last evaluated: 2025-04-07. Review status: criteria provided, single submitter. Criteria: Invitae Variant Classification Sherloc (09022015). Collection method: clinical testing. Allele origin: germline.
Comment: This sequence change replaces isoleucine, which is neutral and non-polar, with threonine, which is neutral and polar, at codon 208 of the ALK protein (p.Ile208Thr). This variant is present in population databases (rs372226787, gnomAD 0.0009%). This variant has not been reported in the literature in individuals affected with ALK-related conditions. ClinVar contains an entry for this variant (Variation ID: 836167). An algorithm developed to predict the effect of missense changes on protein structure and function (PolyPhen-2) suggests that this variant is likely to be tolerated. In summary, the available evidence is currently insufficient to determine the role of this variant in disease. Therefore, it has been classified as a Variant of Uncertain Significance.

Ambry Genetics
Classification: Uncertain significance for Hereditary cancer-predisposing syndrome. Last evaluated: 2024-04-06. Review status: criteria provided, single submitter. Criteria: Ambry Variant Classification Scheme 2023. Collection method: clinical testing. Allele origin: germline.
Comment: The p.I208T variant (also known as c.623T>C), located in coding exon 1 of the ALK gene, results from a T to C substitution at nucleotide position 623. The isoleucine at codon 208 is replaced by threonine, an amino acid with similar properties. This amino acid position is conserved. In addition, this alteration is predicted to be deleterious by in silico analysis. Since supporting evidence is limited at this time, the clinical significance of this alteration remains unclear.

GeneDx
Classification: Uncertain significance. Last evaluated: 2023-10-30. Review status: criteria provided, single submitter. Criteria: GeneDx Variant Classification Process June 2021. Collection method: clinical testing. Allele origin: germline. Affected: yes.
Comment: Not observed at significant frequency in large population cohorts (gnomAD); In silico analysis supports that this missense variant does not alter protein structure/function; Has not been previously published as pathogenic or benign to our knowledge

Laboratory of Medical Genetics Unit, Bambino Gesù Children's Hospital
Classification: Uncertain significance for Diffuse pediatric-type high-grade glioma, H3-wildtype and IDH-wildtype. Last evaluated: 2018-10-09. Review status: criteria provided, single submitter. Criteria: ACMG Guidelines, 2015. Collection method: research. Allele origin: germline. Affected: yes. Observed: 1 heterozygote.

NM_004304.5(ALK):c.623T>C (p.Ile208Thr)

Gene: ALK (ALK receptor tyrosine kinase; minus strand). Cytogenetic location: 2p23.1.
Variant type: single nucleotide variant.
Coding change: c.623T>C on transcript NM_004304.5 (MANE Select); coding-DNA position 623, T replaced by C.
Protein change: p.Ile208Thr; replaces isoleucine 208 with threonine.
Molecular consequence: missense variant.
Genome position (GRCh38, 1-based): chr2:29,920,037, A>G on the plus strand (T>C on the coding strand, the complement: ALK is on the minus strand). VCF-style: chr2-29920037-A-G. GRCh37 (hg19) VCF-style: chr2-30142903-A-G.
Other names: short protein forms I208T.
Identifiers: ClinVar variation 836167 (VCV000836167.13), dbSNP rs372226787, ClinGen allele CA45004743.